The following is an entry in ClinVar:

ClinVar aggregate classification (germline): Uncertain significance (1 of 4 stars; one submission).

Conditions:
Cortical dysplasia-focal epilepsy syndrome (PTHSL1). Also called: Pitt-Hopkins-like syndrome 1. Identifiers: Orphanet 163681, Orphanet 221150, MedGen C2750246, MONDO:0012400, OMIM 610042.

Submission:

Labcorp Genetics (formerly Invitae), Labcorp
Classification: Uncertain significance for Cortical dysplasia-focal epilepsy syndrome. Last evaluated: 2020-10-26. Review status: criteria provided, single submitter. Criteria: Invitae Variant Classification Sherloc (09022015). Collection method: clinical testing. Allele origin: germline.
Comment: This variant results in a copy number gain of the genomic region encompassing the full coding sequence of the CNTNAP2 gene. The boundaries of this event are unknown as they extend beyond the assayed region for this gene and therefore may encompass additional genes. As the precise location of this event is unknown, it may be in tandem or it may be located elsewhere in the genome. This variant has not been reported in the literature in individuals with CNTNAP2-related conditions. In summary, the available evidence is currently insufficient to determine the role of this variant in disease. Therefore, it has been classified as a Variant of Uncertain Significance.

NC_000007.13:g.(?_145813093)_(148544390_?)dup

Genes: C7orf33 (chromosome 7 open reading frame 33; plus strand), EZH2 (enhancer of zeste 2 polycomb repressive complex 2 subunit; minus strand), CNTNAP2 (contactin associated protein 2; plus strand), CUL1 (cullin 1; plus strand). Cytogenetic location: 7q35-36.1.
Variant type: Duplication.
Identifiers: ClinVar variation 1015724 (VCV001015724.1).